The following is an entry in ClinVar:

NM_015915.5(ATL1):c.1640C>T (p.Ser547Leu)

Gene: ATL1 (atlastin GTPase 1; plus strand). Cytogenetic location: 14q22.1.
Variant type: single nucleotide variant.
Coding change: c.1640C>T on transcript NM_015915.5 (MANE Select); coding-DNA position 1640, C replaced by T.
Protein change: p.Ser547Leu; replaces serine 547 with leucine.
Molecular consequence: missense variant.
Genome position (GRCh38, 1-based): chr14:50,632,302, C>T. VCF-style: chr14-50632302-C-T. GRCh37 (hg19) VCF-style: chr14-51099020-C-T.
Other names: c.1625C>T, p.Ser542Leu (NM_001127713.1, NM_181598.4); short protein forms S542L, S547L.
Identifiers: ClinVar variation 1485682 (VCV001485682.6), dbSNP rs778692077, ClinGen allele CA7180563.

ClinVar aggregate classification (germline): Uncertain significance (1 of 4 stars; one submission).

Conditions:
Hereditary spastic paraplegia 3A (SPG3A). Also called: SPASTIC PARAPLEGIA 3, AUTOSOMAL DOMINANT; FAMILIAL SPASTIC PARAPLEGIA, AUTOSOMAL DOMINANT, 1; SPG3; STRUMPELL DISEASE; Spastic Paraplegia 3A; Spastic paraplegia 3A, autosomal dominant. Identifiers: Orphanet 100984, MedGen C2931355, MONDO:0008437, OMIM 182600.

Allele frequency attached by ClinVar (database versions not stated): gnomAD 0.00001; ExAC 0.00002; TOPMed 0.00003.
gnomAD v4.1: 16 of 1,613,098 alleles (0.00099%); highest among the groups gnomAD compares: South Asian, 0.0022%; no homozygotes.

Submission:

Labcorp Genetics (formerly Invitae), Labcorp
Classification: Uncertain significance for Hereditary spastic paraplegia 3A. Last evaluated: 2021-08-12. Review status: criteria provided, single submitter. Criteria: Invitae Variant Classification Sherloc (09022015). Collection method: clinical testing. Allele origin: germline.
Comment: Advanced modeling of protein sequence and biophysical properties (such as structural, functional, and spatial information, amino acid conservation, physicochemical variation, residue mobility, and thermodynamic stability) performed at Invitae indicates that this missense variant is not expected to disrupt ATL1 protein function. This sequence change replaces serine with leucine at codon 547 of the ATL1 protein (p.Ser547Leu). The serine residue is moderately conserved and there is a large physicochemical difference between serine and leucine. This variant is present in population databases (rs778692077, ExAC 0.01%). This missense change has been observed in individual(s) with clinical features of autosomal dominant ATL1-related conditions (Invitae). In summary, the available evidence is currently insufficient to determine the role of this variant in disease. Therefore, it has been classified as a Variant of Uncertain Significance.